The following is an entry in ClinVar:

NM_018136.5(ASPM):c.6783_6784delinsTT (p.Met2261_Met2262delinsIleLeu)

Gene: ASPM (assembly factor for spindle microtubules; minus strand). Cytogenetic location: 1q31.3.
Variant type: Indel.
Coding change: c.6783_6784delinsTT on transcript NM_018136.5 (MANE Select); coding-DNA positions 6783 to 6784, GA replaced by TT.
Protein change: p.Met2261_Met2262delinsIleLeu.
Molecular consequence: missense variant. On other transcripts: intron variant (1).
Genome position (GRCh38, 1-based): chr1:197,102,467-197,102,468, TC replaced by AA on the plus strand (GA replaced by TT on the coding strand, the reverse complement: ASPM is on the minus strand). VCF-style: chr1-197102467-TC-AA. GRCh37 (hg19) VCF-style: chr1-197071597-TC-AA.
Other names: c.4066-6304_4066-6303delinsTT (NM_001206846.2).
Identifiers: ClinVar variation 2021008 (VCV002021008.4), dbSNP rs2527295666, ClinGen allele CA2580061830.

ClinVar aggregate classification (germline): Uncertain significance (1 of 4 stars; one submission).

Submission:

Labcorp Genetics (formerly Invitae), Labcorp
Classification: Uncertain significance. Last evaluated: 2022-08-01. Review status: criteria provided, single submitter. Criteria: Invitae Variant Classification Sherloc (09022015). Collection method: clinical testing. Allele origin: germline.
Comment: This variant, c.6783_6784delinsTT, is a complex sequence change that results in the deletion of 2 and insertion of 2 amino acid(s) in the ASPM protein (p.Met2261_Met2262delinsIleLeu). In summary, the available evidence is currently insufficient to determine the role of this variant in disease. Therefore, it has been classified as a Variant of Uncertain Significance. Experimental studies and prediction algorithms are not available or were not evaluated, and the functional significance of this variant is currently unknown. This variant has not been reported in the literature in individuals affected with ASPM-related conditions. Information on the frequency of this variant in the gnomAD database is not available, as this variant may be reported differently in the database.